The following is an entry in ClinVar:

ClinVar aggregate classification (germline): Pathogenic (1 of 4 stars; one submission).

Conditions:
Niemann-Pick disease, type C1. Also called: NIEMANN-PICK DISEASE, VARIANT TYPE C1; NEUROVISCERAL STORAGE DISEASE WITH VERTICAL SUPRANUCLEAR OPHTHALMOPLEGIA; NIEMANN-PICK DISEASE WITH CHOLESTEROL ESTERIFICATION BLOCK; NIEMANN-PICK DISEASE WITHOUT SPHINGOMYELINASE DEFICIENCY; NIEMANN-PICK DISEASE, CHRONIC NEURONOPATHIC FORM. Identifiers: Orphanet 646, MedGen C3179455, MONDO:0009757, OMIM 257220.

Submission:

Labcorp Genetics (formerly Invitae), Labcorp
Classification: Pathogenic for Niemann-Pick disease, type C1. Last evaluated: 2022-02-27. Review status: criteria provided, single submitter. Criteria: Invitae Variant Classification Sherloc (09022015). Collection method: clinical testing. Allele origin: germline.
Comment: This sequence change creates a premature translational stop signal (p.Thr454Metfs*9) in the NPC1 gene. It is expected to result in an absent or disrupted protein product. Loss-of-function variants in NPC1 are known to be pathogenic (PMID: 9211850). This variant is not present in population databases (gnomAD no frequency). This variant has not been reported in the literature in individuals affected with NPC1-related conditions. For these reasons, this variant has been classified as Pathogenic.

Literature cited by the submitters: PubMed 9211850.

NM_000271.5(NPC1):c.1361del (p.Thr454fs)

Gene: NPC1 (NPC intracellular cholesterol transporter 1; minus strand). Cytogenetic location: 18q11.2.
Variant type: Deletion.
Coding change: c.1361del on transcript NM_000271.5 (MANE Select); coding-DNA position 1361, one base deleted (C; older notation c.1361delC).
Protein change: p.Thr454fs; shifts the reading frame from threonine 454.
Molecular consequence: frameshift variant.
Genome position (GRCh38, 1-based): chr18:23,554,950, G deleted on the plus strand (C on the coding strand, the reverse complement: NPC1 is on the minus strand). VCF-style (leftmost placement, unchanged base first): chr18-23554949-AG-A. GRCh37 (hg19) VCF-style: chr18-21134913-AG-A.
Other names: short protein forms T454fs.
Identifiers: ClinVar variation 2104146 (VCV002104146.4), dbSNP rs2511276986, ClinGen allele CA2580095664.
Genomic context (GRCh38, chr18:23,554,949, plus strand): 5'-CGGTGAAAGAGGGGCCAAGCAGATGTCTTGAAGTGTCACAGTCTCATTGTCATAAGAGGC[AG>A]TAATGTTTTCGATGGCTATTTGTAAGTCAAGAACCTGAAAGAAGATTTTAAAAATAAGCA-3'